The following is an entry in ClinVar:

NM_058216.3(RAD51C):c.895C>G (p.Pro299Ala)

Gene: RAD51C (RAD51 paralog C; plus strand). Cytogenetic location: 17q22.
Variant type: single nucleotide variant.
Coding change: c.895C>G on transcript NM_058216.3 (MANE Select); coding-DNA position 895, C replaced by G.
Protein change: p.Pro299Ala; replaces proline 299 with alanine.
Molecular consequence: missense variant. On other transcripts: non-coding transcript variant (1).
Genome position (GRCh38, 1-based): chr17:58,720,803, C>G. VCF-style: chr17-58720803-C-G. GRCh37 (hg19) VCF-style: chr17-56798164-C-G.
Other names: short protein forms P299A.
Identifiers: ClinVar variation 3665725 (VCV003665725.2).

ClinVar aggregate classification (germline): Uncertain significance (1 of 4 stars; one submission).

Conditions:
Fanconi anemia complementation group O. Also called: RAD51C-Related Fanconi Anemia. Identifiers: Orphanet 84, MedGen C3150653, MONDO:0013248, OMIM 613390.

Submission:

Labcorp Genetics (formerly Invitae), Labcorp
Classification: Uncertain significance for Fanconi anemia complementation group O. Last evaluated: 2024-11-26. Review status: criteria provided, single submitter. Criteria: Invitae Variant Classification Sherloc (09022015). Collection method: clinical testing. Allele origin: germline.
Comment: This sequence change replaces proline, which is neutral and non-polar, with alanine, which is neutral and non-polar, at codon 299 of the RAD51C protein (p.Pro299Ala). This variant is not present in population databases (gnomAD no frequency). This variant has not been reported in the literature in individuals affected with RAD51C-related conditions. Invitae Evidence Modeling of protein sequence and biophysical properties (such as structural, functional, and spatial information, amino acid conservation, physicochemical variation, residue mobility, and thermodynamic stability) indicates that this missense variant is not expected to disrupt RAD51C protein function with a negative predictive value of 80%. In summary, the available evidence is currently insufficient to determine the role of this variant in disease. Therefore, it has been classified as a Variant of Uncertain Significance.